The following is an entry in ClinVar:

NM_001142800.2(EYS):c.3656_3657delinsAA (p.Ser1219Ter)

Gene: EYS (EGF-like photoreceptor maintenance factor; minus strand). Cytogenetic location: 6q12.
Variant type: Indel.
Coding change: c.3656_3657delinsAA on transcript NM_001142800.2 (MANE Select); coding-DNA positions 3656 to 3657, CG replaced by AA.
Protein change: p.Ser1219Ter; replaces serine 1219 with a stop codon.
Molecular consequence: nonsense.
Genome position (GRCh38, 1-based): chr6:64,617,445-64,617,446, CG replaced by TT on the plus strand (CG replaced by AA on the coding strand, the reverse complement: EYS is on the minus strand). VCF-style: chr6-64617445-CG-TT. GRCh37 (hg19) VCF-style: chr6-65327338-CG-TT.
Other names: c.3656_3657delinsAA, p.Ser1219Ter (NM_001292009.2); short protein forms S1219*.
Identifiers: ClinVar variation 1072886 (VCV001072886.8), dbSNP rs2149849472, ClinGen allele CA2499218442.

ClinVar aggregate classification (germline): Pathogenic (1 of 4 stars; one submission).

Submission:

Labcorp Genetics (formerly Invitae), Labcorp
Classification: Pathogenic. Last evaluated: 2022-02-04. Review status: criteria provided, single submitter. Criteria: Invitae Variant Classification Sherloc (09022015). Collection method: clinical testing. Allele origin: germline.
Comment: ClinVar contains an entry for this variant (Variation ID: 1072886). For these reasons, this variant has been classified as Pathogenic. This variant has not been reported in the literature in individuals affected with EYS-related conditions. This sequence change creates a premature translational stop signal (p.Ser1219*) in the EYS gene. It is expected to result in an absent or disrupted protein product. Loss-of-function variants in EYS are known to be pathogenic (PMID: 18836446, 20333770). Information on the frequency of this variant in the gnomAD database is not available, as this variant may be reported differently in the database.

Literature cited by the submitters: PubMed 18836446; PubMed 20333770.